The following is an entry in ClinVar:

NM_144666.3(DNHD1):c.1166A>G (p.Gln389Arg)

Gene: DNHD1 (dynein heavy chain domain 1; plus strand). Cytogenetic location: 11p15.4.
Variant type: single nucleotide variant.
Coding change: c.1166A>G on transcript NM_144666.3 (MANE Select); coding-DNA position 1166, A replaced by G.
Protein change: p.Gln389Arg; replaces glutamine 389 with arginine.
Molecular consequence: missense variant.
Genome position (GRCh38, 1-based): chr11:6,509,203, A>G. VCF-style: chr11-6509203-A-G. GRCh37 (hg19) VCF-style: chr11-6530433-A-G.
Other names: c.1166A>G, p.Gln389Arg (NM_173589.4); short protein forms Q389R.
Identifiers: ClinVar variation 3273171 (VCV003273171.6).
Genomic context (GRCh38, chr11:6,509,203, plus strand): 5'-ACTGACCTCTAATTTCTAGTTGGAAGAAGAATGTGAGATTACAGGGGCTGCATCGACTCC[A>G]GAAATTCCTAGAGAATCATCTGCTCTTGGCTGTGCCCCACTTTGGAGCTGGGCTACTCCA-3'
Protein context (NP_653267.2, residues 379-399): NVRLQGLHRL[Gln389Arg]KFLENHLLLA

ClinVar aggregate classification (germline): Conflicting classifications of pathogenicity. Review status: criteria provided, conflicting classifications (1 of 4 stars). 2 submissions from 2 submitters: Uncertain significance (1); Likely benign (1). Last evaluated 2025-12-01.

gnomAD v4.1: 28 of 1,614,142 alleles (0.0017%); highest among the groups gnomAD compares: Admixed American, 0.028%; no homozygotes.

Submissions (2):

CeGaT Center for Human Genetics Tuebingen
Classification: Uncertain significance. Last evaluated: 2025-12-01. Review status: criteria provided, single submitter. Criteria: CeGaT Center For Human Genetics Tuebingen Variant Classification Criteria Version 2. Collection method: clinical testing. Allele origin: germline. Affected: yes. Observed: 1 variant allele.
Comment: DNHD1: PM2, PP2, BP4

Ambry Genetics
Classification: Likely benign. Last evaluated: 2024-06-16. Review status: criteria provided, single submitter. Criteria: Ambry Variant Classification Scheme 2023. Collection method: clinical testing. Allele origin: germline.